The following is an entry in ClinVar:

ClinVar aggregate classification (germline): Benign. Review status: criteria provided, multiple submitters, no conflicts (2 of 4 stars). 3 submissions from 3 submitters: Benign (3). Last evaluated 2024-07-15.

Allele frequency attached by ClinVar (database versions not stated): 1000 Genomes Project 30x 0.78826; 1000 Genomes Project 0.78954; gnomAD 0.73918 and 0.73929; TOPMed 0.74073.
gnomAD v4.1: 1,128,059 of 1,595,946 alleles (71%); highest among the groups gnomAD compares: East Asian, 89%; 401,199 homozygotes.

Submissions (3):

Unidad de Genómica Garrahan, Hospital de Pediatría Garrahan
Classification: Benign. Last evaluated: 2024-07-15. Review status: criteria provided, single submitter. Criteria: ACMG Guidelines, 2015. Collection method: clinical testing. Allele origin: germline. Affected: no. Observed: 84 variant alleles.
Comment: This variant is classified as Benign based on local population frequency. This variant was detected in 90% of patients studied in a panel designed for Epileptic and Developmental Encephalopathy and Progressive Myoclonus Epilepsy. Number of patients: 84. Only high quality variants are reported.

GeneDx
Classification: Benign. Last evaluated: 2018-06-14. Review status: criteria provided, single submitter. Criteria: GeneDx Variant Classification (06012015). Collection method: clinical testing. Allele origin: germline. Affected: yes.
Comment: This variant is considered likely benign or benign based on one or more of the following criteria: it is a conservative change, it occurs at a poorly conserved position in the protein, it is predicted to be benign by multiple in silico algorithms, and/or has population frequency not consistent with disease.

Breakthrough Genomics
Classification: Benign. Review status: criteria provided, single submitter. Criteria: ACMG Guidelines, 2015. Collection method: not provided. Allele origin: germline. Inheritance: Autosomal dominant inheritance. Affected: yes.

NM_001165963.4(SCN1A):c.1029-68C>T

Gene: SCN1A (sodium voltage-gated channel alpha subunit 1; minus strand). Cytogenetic location: 2q24.3.
Variant type: single nucleotide variant.
Coding change: c.1029-68C>T on transcript NM_001165963.4 (MANE Select); 68 bases into the intron before coding-DNA position 1029, C replaced by T.
Molecular consequence: intron variant.
Genome position (GRCh38, 1-based): chr2:166,047,836, G>A on the plus strand (C>T on the coding strand, the complement: SCN1A is on the minus strand). VCF-style: chr2-166047836-G-A. GRCh37 (hg19) VCF-style: chr2-166904346-G-A.
Other names: c.1029-68C>T (NM_001353949.2, NM_001353958.2, NM_001353950.2 and 10 more transcripts); c.-1397-68C>T (NM_001353961.2).
Identifiers: ClinVar variation 670597 (VCV000670597.4), dbSNP rs1461193, ClinGen allele CA11166032.